The following is an entry in ClinVar:

ClinVar aggregate classification (germline): Conflicting classifications of pathogenicity. Review status: criteria provided, conflicting classifications (1 of 4 stars). 7 submissions from 7 submitters: Uncertain significance (2); Likely benign (5). Last evaluated 2026-01-28.

Conditions:
Inborn genetic diseases. Identifiers: MedGen C0950123, MeSH D030342.

Allele frequency attached by ClinVar (database versions not stated): gnomAD exomes 0.00015 and 0.00031; 1000 Genomes Project 30x 0.00016; 1000 Genomes Project 0.00020; ExAC 0.00073; gnomAD 0.00149 and 0.00168; TOPMed 0.00181; ESP Exome Variant Server 0.00224.
gnomAD v4.1: 454 of 1,601,318 alleles (0.028%); highest among the groups gnomAD compares: African/African-American, 0.49%; 2 homozygotes.

Submissions (7):

Labcorp Genetics (formerly Invitae), Labcorp
Classification: Likely benign. Last evaluated: 2026-01-28. Review status: criteria provided, single submitter. Criteria: Invitae Variant Classification Sherloc (09022015). Collection method: clinical testing. Allele origin: germline.

CeGaT Center for Human Genetics Tuebingen
Classification: Likely benign. Last evaluated: 2026-01-01. Review status: criteria provided, single submitter. Criteria: CeGaT Center For Human Genetics Tuebingen Variant Classification Criteria Version 2. Collection method: clinical testing. Allele origin: germline. Affected: yes. Observed: 1 variant allele.
Comment: MYO15A: BS2

Ambry Genetics
Classification: Uncertain significance for Inborn genetic diseases. Last evaluated: 2025-06-03. Review status: criteria provided, single submitter. Criteria: Ambry Variant Classification Scheme 2023. Collection method: clinical testing. Allele origin: germline.

Blueprint Genetics
Classification: Likely benign. Last evaluated: 2024-04-24. Review status: criteria provided, single submitter. Criteria: ACMG Guidelines, 2015. Collection method: clinical testing. Allele origin: germline.

GeneDx
Classification: Likely benign. Last evaluated: 2020-08-12. Review status: criteria provided, single submitter. Criteria: GeneDx Variant Classification Process June 2021. Collection method: clinical testing. Allele origin: germline. Affected: yes.

Laboratory for Molecular Medicine, Mass General Brigham Personalized Medicine
Classification: Likely benign. Last evaluated: 2017-10-05. Review status: criteria provided, single submitter. Criteria: LMM Criteria. Collection method: clinical testing. Allele origin: germline. Observed: 4 variant alleles.
Comment: p.Arg2262His in exon 33 of MYO15A: This variant is not expected to have clinical significance because it has been identified in 0.46% (100/21764) of African chr omosomes by the Genome Aggregation Database (gnomAD; dbSNP rs200623501).

Eurofins Ntd Llc (ga)
Classification: Uncertain significance. Last evaluated: 2016-07-20. Review status: criteria provided, single submitter. Criteria: EGL Classification Definitions 2015. Collection method: clinical testing. Allele origin: germline. Observed: 2 variant alleles, 2 heterozygotes.

NM_016239.4(MYO15A):c.6785G>A (p.Arg2262His)

Gene: MYO15A (myosin XVA; plus strand). Cytogenetic location: 17p11.2.
Variant type: single nucleotide variant.
Coding change: c.6785G>A on transcript NM_016239.4 (MANE Select); coding-DNA position 6785, G replaced by A.
Protein change: p.Arg2262His; replaces arginine 2262 with histidine.
Molecular consequence: missense variant.
Genome position (GRCh38, 1-based): chr17:18,148,781, G>A. VCF-style: chr17-18148781-G-A. GRCh37 (hg19) VCF-style: chr17-18052095-G-A.
Other names: short protein forms R2262H.
Identifiers: ClinVar variation 178448 (VCV000178448.26), dbSNP rs200623501, ClinGen allele CA182354.
Genomic context (GRCh38, chr17:18,148,781, plus strand): 5'-CTCTGTCCCTCATTTCCATTCCTGTGCATGCCATCACCAGGGGGCTGGCAGATGGCTGGC[G>A]CGGCTGGACCGTGGCCATGAAGAATGGTGTCCAGTGGGCAGAGCTGGCTGGCCACGACTA-3'
Protein context (NP_057323.3, residues 2252-2272): LRHRGLADGW[Arg2262His]GWTVAMKNGV